The following is an entry in ClinVar:

ClinVar aggregate classification (germline): Uncertain significance. Review status: criteria provided, multiple submitters, no conflicts (2 of 4 stars). 2 submissions from 2 submitters: Uncertain significance (2). Last evaluated 2021-08-23.

Conditions:
Inborn genetic diseases. Identifiers: MedGen C0950123, MeSH D030342.

Allele frequency attached by ClinVar (database versions not stated): gnomAD 0.00001; TOPMed 0.00001.
gnomAD v4.1: 1 of 1,614,036 alleles (0.000062%); highest among the groups gnomAD compares: Admixed American, 0.0017%; no homozygotes.

Submissions (2):

Ambry Genetics
Classification: Uncertain significance for Inborn genetic diseases. Last evaluated: 2021-08-23. Review status: criteria provided, single submitter. Criteria: Ambry Variant Classification Scheme 2023. Collection method: clinical testing. Allele origin: germline.

GeneDx
Classification: Uncertain significance. Last evaluated: 2017-05-18. Review status: criteria provided, single submitter. Criteria: GeneDx Variant Classification (06012015). Collection method: clinical testing. Allele origin: germline. Affected: yes.
Comment: The G312R variant in the SLC1A3 gene has not been reported previously as a pathogenic variant, nor as a benign variant, to our knowledge. The G312R variant is not observed in large population cohorts (Lek et al., 2016; 1000 Genomes Consortium et al., 2015; Exome Variant Server). The G312R variant is a non-conservative amino acid substitution, which is likely to impact secondary protein structure as these residues differ in polarity, charge, size and/or other properties. This substitution occurs at a position that is conserved in mammals. In silico analysis is inconsistent in its predictions as to whether or not the variant is damaging to the protein structure/function. We interpret G312R as a variant of uncertain significance.

NM_004172.5(SLC1A3):c.934G>A (p.Gly312Arg)

Genes: SLC1A3 (solute carrier family 1 member 3; plus strand), SLC1A3-AS1 (SLC1A3 antisense RNA 1; minus strand). Cytogenetic location: 5p13.2.
Variant type: single nucleotide variant.
Coding change: c.934G>A on transcript NM_004172.5 (MANE Select); coding-DNA position 934, G replaced by A.
Protein change: p.Gly312Arg; replaces glycine 312 with arginine.
Molecular consequence: missense variant.
Genome position (GRCh38, 1-based): chr5:36,679,700, G>A. VCF-style: chr5-36679700-G-A. GRCh37 (hg19) VCF-style: chr5-36679802-G-A.
Other names: c.934G>A, p.Gly312Arg (NM_001166695.3); c.796G>A, p.Gly266Arg (NM_001289939.2); c.598G>A, p.Gly200Arg (NM_001289940.2); short protein forms G312R, G200R, G266R.
Identifiers: ClinVar variation 429995 (VCV000429995.4), dbSNP rs1131691717, ClinGen allele CA359480903.